The following is an entry in ClinVar:

NM_000254.3(MTR):c.2775+4A>G

Gene: MTR (5-methyltetrahydrofolate-homocysteine methyltransferase; plus strand). Cytogenetic location: 1q43.
Variant type: single nucleotide variant.
Coding change: c.2775+4A>G on transcript NM_000254.3 (MANE Select); 4 bases into the intron after coding-DNA position 2775, A replaced by G.
Molecular consequence: intron variant.
Genome position (GRCh38, 1-based): chr1:236,885,223, A>G. VCF-style: chr1-236885223-A-G. GRCh37 (hg19) VCF-style: chr1-237048523-A-G.
Other names: c.2622+4A>G (NM_001291939.1); c.1554+4A>G (NM_001291940.2).
Identifiers: ClinVar variation 2151571 (VCV002151571.1), dbSNP rs201582075, ClinGen allele CA1474498.

ClinVar aggregate classification (germline): Uncertain significance (1 of 4 stars; one submission).

Conditions:
Methylcobalamin deficiency type cblG (HMAG). Also called: HOMOCYSTINURIA-MEGALOBLASTIC ANEMIA, cblG COMPLEMENTATION TYPE; HOMOCYSTINURIA-MEGALOBLASTIC ANEMIA, cblG TYPE; Functional methionine synthase deficiency type cblG; HOMOCYSTINURIA-MEGALOBLASTIC ANEMIA DUE TO DEFECT IN COBALAMIN METABOLISM, cblG COMPLEMENTATION TYPE. Identifiers: Orphanet 2170, Orphanet 622, MedGen C1855128, MONDO:0009609, OMIM 250940.

Allele frequency attached by ClinVar (database versions not stated): gnomAD exomes below 0.00001; ExAC 0.00001; gnomAD 0.00003; TOPMed 0.00006; 1000 Genomes Project 30x 0.00016; 1000 Genomes Project 0.00020.
gnomAD v4.1: 13 of 1,539,596 alleles (0.00084%); highest among the groups gnomAD compares: Admixed American, 0.0083%; no homozygotes.

Submission:

Labcorp Genetics (formerly Invitae), Labcorp
Classification: Uncertain significance for Methylcobalamin deficiency type cblG. Last evaluated: 2021-12-15. Review status: criteria provided, single submitter. Criteria: Invitae Variant Classification Sherloc (09022015). Collection method: clinical testing. Allele origin: germline.
Comment: This sequence change falls in intron 26 of the MTR gene. It does not directly change the encoded amino acid sequence of the MTR protein. It affects a nucleotide within the consensus splice site. This variant is present in population databases (rs201582075, gnomAD 0.007%). This variant has not been reported in the literature in individuals affected with MTR-related conditions. Variants that disrupt the consensus splice site are a relatively common cause of aberrant splicing (PMID: 17576681, 9536098). Algorithms developed to predict the effect of sequence changes on RNA splicing suggest that this variant may create or strengthen a splice site. In summary, the available evidence is currently insufficient to determine the role of this variant in disease. Therefore, it has been classified as a Variant of Uncertain Significance.

Literature cited by the submitters: PubMed 17576681; PubMed 9536098.